The following is an entry in ClinVar:

NM_000179.3(MSH6):c.145G>T (p.Ala49Ser)

Gene: MSH6 (mutS homolog 6; plus strand). Cytogenetic location: 2p16.3.
Variant type: single nucleotide variant.
Coding change: c.145G>T on transcript NM_000179.3 (MANE Select); coding-DNA position 145, G replaced by T.
Protein change: p.Ala49Ser; replaces alanine 49 with serine.
Molecular consequence: missense variant. On other transcripts: 5 prime UTR variant (1).
Genome position (GRCh38, 1-based): chr2:47,783,378, G>T. VCF-style: chr2-47783378-G-T. GRCh37 (hg19) VCF-style: chr2-48010517-G-T.
Other names: c.145G>T, p.Ala49Ser (NM_001281492.2); c.-592G>T (NM_001281493.2); short protein forms A49S.
Identifiers: ClinVar variation 619698 (VCV000619698.6), dbSNP rs745642001, ClinGen allele CA067698.

ClinVar aggregate classification (germline): Uncertain significance. Review status: criteria provided, multiple submitters, no conflicts (2 of 4 stars). 2 submissions from 2 submitters: Uncertain significance (2). Last evaluated 2022-04-19.

Conditions:
Hereditary cancer-predisposing syndrome. Also called: Neoplastic Syndromes, Hereditary; Hereditary neoplastic syndrome; Tumor predisposition; Hereditary Cancer Syndrome. Identifiers: Orphanet 140162, MedGen C0027672, MeSH D009386, MONDO:0015356.

gnomAD v4.1: 1 of 1,594,660 alleles (0.000063%); highest among the groups gnomAD compares: African/African-American, 0.0013%; no homozygotes.

Submissions (2):

Ambry Genetics
Classification: Uncertain significance for Hereditary cancer-predisposing syndrome. Last evaluated: 2022-04-19. Review status: criteria provided, single submitter. Criteria: Ambry Variant Classification Scheme 2023. Collection method: clinical testing. Allele origin: germline.
Comment: The p.A49S variant (also known as c.145G>T), located in coding exon 1 of the MSH6 gene, results from a G to T substitution at nucleotide position 145. The alanine at codon 49 is replaced by serine, an amino acid with similar properties. This amino acid position is conserved. In addition, this alteration is predicted to be tolerated by in silico analysis. Since supporting evidence is limited at this time, the clinical significance of this alteration remains unclear.

Quest Diagnostics Nichols Institute San Juan Capistrano
Classification: Uncertain significance. Last evaluated: 2017-10-18. Review status: criteria provided, single submitter. Criteria: Quest Diagnostics criteria. Collection method: clinical testing. Allele origin: germline.